The following is an entry in ClinVar:

NM_000520.6(HEXA):c.806-1G>A

Gene: HEXA (hexosaminidase subunit alpha; minus strand). Cytogenetic location: 15q23.
Variant type: single nucleotide variant.
Coding change: c.806-1G>A on transcript NM_000520.6 (MANE Select); the canonical splice acceptor site of the intron before coding-DNA position 806, G replaced by A.
Molecular consequence: splice acceptor variant.
Genome position (GRCh38, 1-based): chr15:72,349,260, C>T on the plus strand (G>A on the coding strand, the complement: HEXA is on the minus strand). VCF-style: chr15-72349260-C-T. GRCh37 (hg19) VCF-style: chr15-72641601-C-T.
Other names: c.839-1G>A (NM_001318825.2).
Identifiers: ClinVar variation 4069132 (VCV004069132.2).
Genomic context (GRCh38, chr15:72,349,260, plus strand): 5'-GTCCAAAGGTGCCAGAGGGCTCAGACCCAGAGTAGCAAGGAGTCAGTAATCCAGGGATAC[C>T]TAAGCCAAGAGAAAACCCCATATGAGTGTCACAAATACATAAACCCCCACGCACAGTCCT-3'

ClinVar aggregate classification (germline): Likely pathogenic (1 of 4 stars; one submission).

Conditions:
Tay-Sachs disease (TSD). Also called: HEXA DEFICIENCY; GM2 gangliosidosis, type 1; Hexosaminidase alpha-subunit deficiency (variant B); Sphingolipidosis, Tay-Sachs; HEXA Disorders; Hexosaminidase A Deficiency. Identifiers: Orphanet 845, MedGen C0039373, MONDO:0010100, OMIM 272800.

Submission:

Natera, Inc.
Classification: Likely pathogenic for Tay-Sachs disease. Last evaluated: 2025-05-13. Review status: criteria provided, single submitter. Criteria: Natera Variant Classification Schema (03/2026). Collection method: clinical testing. Allele origin: germline.
Comment: The c.806-1G>A variant in HEXA is a canonical splice acceptor site variant predicted to affect pre-mRNA splicing, which may result in an abnormal transcript and altered protein product. This variant is expected to result in nonsense mediated decay, truncation, or a dysfunctional protein product. This variant is rare in the general population with a frequency below the threshold expected for the associated phenotype(s). Given the available evidence, this variant is classified as Likely Pathogenic.